The following is an entry in ClinVar:

ClinVar aggregate classification (germline): Uncertain significance (1 of 4 stars; one submission).

Allele frequency attached by ClinVar (database versions not stated): gnomAD exomes below 0.00001; TOPMed below 0.00001.
gnomAD v4.1: 1 of 1,613,896 alleles (0.000062%); highest among the groups gnomAD compares: African/African-American, 0.0013%; no homozygotes.

Submission:

Labcorp Genetics (formerly Invitae), Labcorp
Classification: Uncertain significance. Last evaluated: 2021-05-17. Review status: criteria provided, single submitter. Criteria: Invitae Variant Classification Sherloc (09022015). Collection method: clinical testing. Allele origin: germline.
Comment: In summary, the available evidence is currently insufficient to determine the role of this variant in disease. Therefore, it has been classified as a Variant of Uncertain Significance. Algorithms developed to predict the effect of missense changes on protein structure and function are either unavailable or do not agree on the potential impact of this missense change (SIFT: "Deleterious"; PolyPhen-2: "Benign"; Align-GVGD: "Class C0"). This variant has not been reported in the literature in individuals with NEDD4L-related conditions. This variant is not present in population databases (ExAC no frequency). This sequence change replaces serine with glycine at codon 225 of the NEDD4L protein (p.Ser225Gly). The serine residue is moderately conserved and there is a small physicochemical difference between serine and glycine.

NM_001144967.3(NEDD4L):c.673A>G (p.Ser225Gly)

Gene: NEDD4L (NEDD4 like E3 ubiquitin protein ligase; plus strand). Cytogenetic location: 18q21.31.
Variant type: single nucleotide variant.
Coding change: c.673A>G on transcript NM_001144967.3 (MANE Select); coding-DNA position 673, A replaced by G.
Protein change: p.Ser225Gly; replaces serine 225 with glycine.
Molecular consequence: missense variant.
Genome position (GRCh38, 1-based): chr18:58,325,155, A>G. VCF-style: chr18-58325155-A-G. GRCh37 (hg19) VCF-style: chr18-55992387-A-G.
Other names: c.310A>G, p.Ser104Gly (NM_001144964.1, NM_001144965.2, NM_001144966.3 and 2 more transcripts); c.649A>G, p.Ser217Gly (NM_001144968.2, NM_001144969.2); c.673A>G, p.Ser225Gly (NM_001243960.2, NM_015277.6); short protein forms S104G, S217G, S225G.
Identifiers: ClinVar variation 1039762 (VCV001039762.9), dbSNP rs1243405379, ClinGen allele CA402552997.